The following is an entry in ClinVar:

NM_002816.5(PSMD12):c.163C>T (p.Arg55Cys)

Gene: PSMD12 (proteasome 26S subunit, non-ATPase 12; minus strand). Cytogenetic location: 17q24.2.
Variant type: single nucleotide variant.
Coding change: c.163C>T on transcript NM_002816.5 (MANE Select); coding-DNA position 163, C replaced by T.
Protein change: p.Arg55Cys; replaces arginine 55 with cysteine.
Molecular consequence: missense variant. On other transcripts: 5 prime UTR variant (1), intron variant (1).
Genome position (GRCh38, 1-based): chr17:67,357,524, G>A on the plus strand (C>T on the coding strand, the complement: PSMD12 is on the minus strand). VCF-style: chr17-67357524-G-A. GRCh37 (hg19) VCF-style: chr17-65353640-G-A.
Other names: c.-15C>T (NM_001316341.2); c.109-93C>T (NM_174871.4); short protein forms R55C.
Identifiers: ClinVar variation 2662265 (VCV002662265.2), dbSNP rs1456954056, ClinGen allele CA400805961.

ClinVar aggregate classification (germline): Uncertain significance (1 of 4 stars; one submission).

Allele frequency attached by ClinVar (database versions not stated): gnomAD exomes below 0.00001; TOPMed below 0.00001.

Submission:

GeneDx
Classification: Uncertain significance. Last evaluated: 2026-06-02. Review status: criteria provided, single submitter. Criteria: GeneDx Variant Classification Process June 2021. Collection method: clinical testing. Allele origin: germline.
Comment: Observed in large aggregate dataset examining de novo variants in patients with various developmental disorders (PMID: 35982159); Not observed at significant frequency in large population cohorts (gnomAD); In silico analysis supports that this missense variant has a deleterious effect on protein structure/function; This variant is associated with the following publications: (PMID: 35982160, 35982159)